The following is an entry in ClinVar:

NM_001291303.3(FAT4):c.5332A>G (p.Thr1778Ala)

Gene: FAT4 (FAT atypical cadherin 4; plus strand). Cytogenetic location: 4q28.1.
Variant type: single nucleotide variant.
Coding change: c.5332A>G on transcript NM_001291303.3 (MANE Select); coding-DNA position 5332, A replaced by G.
Protein change: p.Thr1778Ala; replaces threonine 1778 with alanine.
Molecular consequence: missense variant.
Genome position (GRCh38, 1-based): chr4:125,406,904, A>G. VCF-style: chr4-125406904-A-G. GRCh37 (hg19) VCF-style: chr4-126328059-A-G.
Other names: c.5332A>G, p.Thr1778Ala (NM_001291285.3, NM_024582.6); short protein forms T1778A.
Identifiers: ClinVar variation 1907494 (VCV001907494.6), dbSNP rs369218330, ClinGen allele CA3072689.
Genomic context (GRCh38, chr4:125,406,904, plus strand): 5'-CTTCCAATAGCTCAGATGCTTGGTCTCTTTTTTTAGGGTGCAAATGCTCTCGTCACATAC[A>G]CTATCATTAGTGGAGCTGATGATAGTTTTCGCATCGACCCAGAATCCGGAGATCTGATAG-3'
Protein context (NP_001278232.1, residues 1768-1788): DEGANALVTY[Thr1778Ala]IISGADDSFR

ClinVar aggregate classification (germline): Conflicting classifications of pathogenicity. Review status: criteria provided, conflicting classifications (1 of 4 stars). 2 submissions from 2 submitters: Uncertain significance (1); Likely benign (1). Last evaluated 2022-05-03.

Allele frequency attached by ClinVar (database versions not stated): gnomAD 0.00001; gnomAD exomes 0.00001; TOPMed 0.00001; ExAC 0.00002; ESP Exome Variant Server 0.00008.
gnomAD v4.1: 22 of 1,613,670 alleles (0.0014%); highest among the groups gnomAD compares: East Asian, 0.0045%; no homozygotes.

Submissions (2):

Labcorp Genetics (formerly Invitae), Labcorp
Classification: Uncertain significance. Last evaluated: 2022-05-03. Review status: criteria provided, single submitter. Criteria: Invitae Variant Classification Sherloc (09022015). Collection method: clinical testing. Allele origin: germline.
Comment: This sequence change replaces threonine, which is neutral and polar, with alanine, which is neutral and non-polar, at codon 1778 of the FAT4 protein (p.Thr1778Ala). In summary, the available evidence is currently insufficient to determine the role of this variant in disease. Therefore, it has been classified as a Variant of Uncertain Significance. Advanced modeling of protein sequence and biophysical properties (such as structural, functional, and spatial information, amino acid conservation, physicochemical variation, residue mobility, and thermodynamic stability) performed at Invitae indicates that this missense variant is not expected to disrupt FAT4 protein function. This variant has not been reported in the literature in individuals affected with FAT4-related conditions. This variant is present in population databases (rs369218330, gnomAD 0.0009%).

Blueprint Genetics
Classification: Likely benign. Last evaluated: 2022-04-04. Review status: criteria provided, single submitter. Criteria: ACMG Guidelines, 2015. Collection method: clinical testing. Allele origin: germline.